The following is an entry in ClinVar:

ClinVar aggregate classification (germline): Uncertain significance. Review status: criteria provided, multiple submitters, no conflicts (2 of 4 stars). 2 submissions from 2 submitters: Uncertain significance (2). Last evaluated 2025-06-18.

Conditions:
Primary ciliary dyskinesia. Also called: Ciliary dyskinesia. Identifiers: Orphanet 244, MedGen C0008780, MONDO:0016575, HP:0012265.

Allele frequency attached by ClinVar (database versions not stated): gnomAD 0.00001; ExAC 0.00007.
gnomAD v4.1: 28 of 1,586,788 alleles (0.0018%); highest among the groups gnomAD compares: South Asian, 0.031%; 1 homozygote.

Submissions (2):

Ambry Genetics
Classification: Uncertain significance. Last evaluated: 2025-06-18. Review status: criteria provided, single submitter. Criteria: Ambry Variant Classification Scheme 2023. Collection method: clinical testing. Allele origin: germline.

Labcorp Genetics (formerly Invitae), Labcorp
Classification: Uncertain significance for Primary ciliary dyskinesia. Last evaluated: 2025-04-24. Review status: criteria provided, single submitter. Criteria: Invitae Variant Classification Sherloc (09022015). Collection method: clinical testing. Allele origin: germline.
Comment: This sequence change replaces leucine, which is neutral and non-polar, with phenylalanine, which is neutral and non-polar, at codon 2105 of the DNAH8 protein (p.Leu2105Phe). This variant is present in population databases (rs780860610, gnomAD 0.03%). This variant has not been reported in the literature in individuals affected with DNAH8-related conditions. ClinVar contains an entry for this variant (Variation ID: 2550098). Experimental studies and prediction algorithms are not available or were not evaluated, and the functional significance of this variant is currently unknown. In summary, the available evidence is currently insufficient to determine the role of this variant in disease. Therefore, it has been classified as a Variant of Uncertain Significance.

NM_001206927.2(DNAH8):c.6313C>T (p.Leu2105Phe)

Gene: DNAH8 (dynein axonemal heavy chain 8; plus strand). Cytogenetic location: 6p21.2.
Variant type: single nucleotide variant.
Coding change: c.6313C>T on transcript NM_001206927.2 (MANE Select); coding-DNA position 6313, C replaced by T.
Protein change: p.Leu2105Phe; replaces leucine 2105 with phenylalanine.
Molecular consequence: missense variant.
Genome position (GRCh38, 1-based): chr6:38,863,875, C>T. VCF-style: chr6-38863875-C-T. GRCh37 (hg19) VCF-style: chr6-38831651-C-T.
Other names: c.5662C>T, p.Leu1888Phe (NM_001371.4); short protein forms L2105F, L1888F.
Identifiers: ClinVar variation 2550098 (VCV002550098.4), dbSNP rs780860610, ClinGen allele CA3789632.